The following is an entry in ClinVar:

NM_000037.4(ANK1):c.1322del (p.Leu441fs)

Gene: ANK1 (ankyrin 1; minus strand). Cytogenetic location: 8p11.21.
Variant type: Deletion.
Coding change: c.1322del on transcript NM_000037.4 (MANE Select); coding-DNA position 1322, one base deleted (T; older notation c.1322delT).
Protein change: p.Leu441fs; shifts the reading frame from leucine 441.
Molecular consequence: frameshift variant.
Genome position (GRCh38, 1-based): chr8:41,717,035, A deleted on the plus strand (T on the coding strand, the reverse complement: ANK1 is on the minus strand). VCF-style (leftmost placement, unchanged base first): chr8-41717034-TA-T. GRCh37 (hg19) VCF-style: chr8-41574552-TA-T.
Other names: c.1421del, p.Leu474fs (NM_001142446.2); c.1322del, p.Leu441fs (NM_020475.3, NM_020476.3, NM_020477.3); short protein forms L441fs, L474fs.
Identifiers: ClinVar variation 4734838 (VCV004734838.1).

ClinVar aggregate classification (germline): Pathogenic (1 of 4 stars; one submission).

Submission:

Labcorp Genetics (formerly Invitae), Labcorp
Classification: Pathogenic. Last evaluated: 2026-01-06. Review status: criteria provided, single submitter. Criteria: Invitae Variant Classification Sherloc (09022015). Collection method: clinical testing. Allele origin: germline.
Comment: This sequence change creates a premature translational stop signal (p.Leu441Hisfs*46) in the ANK1 gene. It is expected to result in an absent or disrupted protein product. Loss-of-function variants in ANK1 are known to be pathogenic (PMID: 8640229). This variant is not present in population databases (gnomAD no frequency). This variant has not been reported in the literature in individuals affected with ANK1-related conditions. For these reasons, this variant has been classified as Pathogenic.

Literature cited by the submitters: PubMed 8640229.